The following is an entry in ClinVar:

NM_145868.2(ANXA11):c.476C>T (p.Pro159Leu)

Gene: ANXA11 (annexin A11; minus strand). Cytogenetic location: 10q22.3.
Variant type: single nucleotide variant.
Coding change: c.476C>T on transcript NM_145868.2 (MANE Select); coding-DNA position 476, C replaced by T.
Protein change: p.Pro159Leu; replaces proline 159 with leucine.
Molecular consequence: missense variant.
Genome position (GRCh38, 1-based): chr10:80,169,054, G>A on the plus strand (C>T on the coding strand, the complement: ANXA11 is on the minus strand). VCF-style: chr10-80169054-G-A. GRCh37 (hg19) VCF-style: chr10-81928810-G-A.
Other names: c.476C>T, p.Pro159Leu (NM_001157.3, NM_001278407.2, NM_001278408.2 and 1 more transcripts); c.377C>T, p.Pro126Leu (NM_001278409.2); short protein forms P126L, P159L.
Identifiers: ClinVar variation 3349358 (VCV003349358.1).
Genomic context (GRCh38, chr10:80,169,054, plus strand): 5'-ACAGTCCCAGACCCCGGGTATCCTGGGTAGCTCGGCACTGGCTGCTGCTGCCCAGGGAGT[G>A]GCACTGGAGGCTGACCAGGGTAGGTCACTGGTGGCTGCCCAGGGTAGGCCCCTGGGGGCT-3'
Protein context (NP_665875.1, residues 149-169): PVTYPGQPPV[Pro159Leu]LPGQQQPVPS

ClinVar aggregate classification (germline): Uncertain significance (0 of 4 stars; one submission).

Conditions:
ANXA11-related disorder. Also called: ANXA11-related condition.

gnomAD v4.1: 1 of 1,540,058 alleles (0.000065%); highest among the groups gnomAD compares: South Asian, 0.0013%; no homozygotes.

Submission:

PreventionGenetics, part of Exact Sciences
Classification: Uncertain significance for ANXA11-related condition. Last evaluated: 2024-03-20. Review status: no assertion criteria provided. Collection method: clinical testing. Allele origin: germline.
Comment: The ANXA11 c.476C>T variant is predicted to result in the amino acid substitution p.Pro159Leu. To our knowledge, this variant has not been reported in the literature or in a large population database, indicating this variant is rare. At this time, the clinical significance of this variant is uncertain due to the absence of conclusive functional and genetic evidence.